The following is an entry in ClinVar:

ClinVar aggregate classification (germline): Pathogenic/Likely pathogenic. Review status: criteria provided, multiple submitters, no conflicts (2 of 4 stars). 2 submissions from 2 submitters: Pathogenic (1); Likely pathogenic (1). Last evaluated 2023-03-07.

Conditions:
Cardiac anomalies - developmental delay - facial dysmorphism syndrome (MRFACD). Also called: Impaired intellectual development and distinctive facial features with or without cardiac defects; MED13L Syndrome. Identifiers: Orphanet 369891, MedGen C5192431, MONDO:0014773, OMIM 616789.

Submissions (2):

Illumina Laboratory Services, Illumina
Classification: Likely pathogenic for Cardiac anomalies - developmental delay - facial dysmorphism syndrome. Last evaluated: 2023-03-07. Review status: criteria provided, single submitter. Criteria: ICSLVariantClassificationCriteria RUGD 01 April 2020. Collection method: clinical testing. Allele origin: unknown.
Comment: The MED13L c.82dup (p.Thr28AsnfsTer7) variant results in the duplication of a nucleotide at position c.82, causing a shift in the protein reading frame that is predicted to result in premature termination of the protein. Loss of normal protein function through either protein truncation or nonsense-mediated mRNA decay is expected. To our knowledge, this variant has not been reported in the peer-reviewed literature. This variant is not found in version 2.1.1 or version 3.1.2 of the Genome Aggregation Database. This variant was identified in a heterozygous state. Based on the available evidence, the c.82dup (p.Thr28AsnfsTer7) variant is classified as likely pathogenic for impaired intellectual development and distinctive facial features with or without cardiac defects.

Institute of Medical Genetics and Applied Genomics, University Hospital Tübingen
Classification: Pathogenic. Last evaluated: 2020-10-23. Review status: criteria provided, single submitter. Criteria: ACMG Guidelines, 2015. Collection method: clinical testing. Allele origin: germline. Inheritance: Unknown mechanism. Affected: yes.

NM_015335.5(MED13L):c.82dup (p.Thr28fs)

Gene: MED13L (mediator complex subunit 13L; minus strand). Cytogenetic location: 12q24.21.
Variant type: Duplication.
Coding change: c.82dup on transcript NM_015335.5 (MANE Select); coding-DNA position 82, one base duplicated (A; older notation c.82dupA).
Protein change: p.Thr28fs; shifts the reading frame from threonine 28.
Molecular consequence: frameshift variant.
Genome position (GRCh38, 1-based): chr12:116,237,696, T duplicated on the plus strand (A on the coding strand, the reverse complement: MED13L is on the minus strand). VCF-style (leftmost placement, unchanged base first): chr12-116237695-G-GT. GRCh37 (hg19) VCF-style: chr12-116675500-G-GT.
Other names: short protein forms T28fs.
Identifiers: ClinVar variation 987503 (VCV000987503.3), dbSNP rs1870221353, ClinGen allele CA1139662925.